The following is an entry in ClinVar:

NM_001365999.1(SZT2):c.1769C>T (p.Thr590Ile)

Gene: SZT2 (SZT2 subunit of KICSTOR complex; plus strand). Cytogenetic location: 1p34.2.
Variant type: single nucleotide variant.
Coding change: c.1769C>T on transcript NM_001365999.1 (MANE Select); coding-DNA position 1769, C replaced by T.
Protein change: p.Thr590Ile; replaces threonine 590 with isoleucine.
Molecular consequence: missense variant.
Genome position (GRCh38, 1-based): chr1:43,422,225, C>T. VCF-style: chr1-43422225-C-T. GRCh37 (hg19) VCF-style: chr1-43887896-C-T.
Other names: c.1769C>T, p.Thr590Ile (NM_015284.4); short protein forms T590I.
Identifiers: ClinVar variation 1315344 (VCV001315344.4), dbSNP rs1302084836, ClinGen allele CA340009896.
Genomic context (GRCh38, chr1:43,422,225, plus strand): 5'-CAAATTCCTGGCAGCGATGGCTGCACATGCATCGCCTGGTGCTAATCCTGGAGCATGACA[C>T]GTGGGTGCCCTTAGGGCTGGGCCATAGTTGGGGTGGAGTATCGGGGTCAGGGGGATAGGG-3'
Protein context (NP_001352928.1, residues 580-600): HRLVLILEHD[Thr590Ile]PIPKHLHTPG

ClinVar aggregate classification (germline): Uncertain significance (1 of 4 stars; one submission).

Allele frequency attached by ClinVar (database versions not stated): gnomAD exomes below 0.00001; TOPMed below 0.00001; gnomAD 0.00001.
gnomAD v4.1: 6 of 1,579,364 alleles (0.00038%); highest among the groups gnomAD compares: African/African-American, 0.0027%; no homozygotes.

Submission:

GeneDx
Classification: Uncertain significance. Last evaluated: 2023-08-07. Review status: criteria provided, single submitter. Criteria: GeneDx Variant Classification Process June 2021. Collection method: clinical testing. Allele origin: germline. Affected: yes.
Comment: Not observed at significant frequency in large population cohorts (gnomAD); In silico analysis supports that this missense variant does not alter protein structure/function; In silico analysis is inconclusive as to whether the variant alters gene splicing. In the absence of RNA/functional studies, the actual effect of this sequence change is unknown.; Has not been previously published as pathogenic or benign to our knowledge